The following is an entry in ClinVar:

NM_001303256.3(MORC2):c.748G>C (p.Asp250His)

Gene: MORC2 (MORC family CW-type zinc finger 2; minus strand). Cytogenetic location: 22q12.2.
Variant type: single nucleotide variant.
Coding change: c.748G>C on transcript NM_001303256.3 (MANE Select); coding-DNA position 748, G replaced by C.
Protein change: p.Asp250His; replaces aspartic acid 250 with histidine.
Molecular consequence: missense variant.
Genome position (GRCh38, 1-based): chr22:30,941,509, C>G on the plus strand (G>C on the coding strand, the complement: MORC2 is on the minus strand). VCF-style: chr22-30941509-C-G. GRCh37 (hg19) VCF-style: chr22-31337496-C-G.
Other names: c.748G>C, p.Asp250His (NM_001303257.2); c.562G>C, p.Asp188His (NM_014941.3); short protein forms D188H, D250H.
Identifiers: ClinVar variation 4803193 (VCV004803193.1).

ClinVar aggregate classification (germline): Uncertain significance (1 of 4 stars; one submission).

Conditions:
Charcot-Marie-Tooth disease axonal type 2Z. Also called: CHARCOT-MARIE-TOOTH DISEASE, AXONAL, AUTOSOMAL DOMINANT, TYPE 2Z; CHARCOT-MARIE-TOOTH NEUROPATHY, TYPE 2Z. Identifiers: Orphanet 466768, MedGen C5569025, MONDO:0014736, OMIM 616688.

Submission:

Labcorp Genetics (formerly Invitae), Labcorp
Classification: Uncertain significance for Charcot-Marie-Tooth disease axonal type 2Z. Last evaluated: 2025-07-29. Review status: criteria provided, single submitter. Criteria: Invitae Variant Classification Sherloc (09022015). Collection method: clinical testing. Allele origin: germline.
Comment: This sequence change replaces aspartic acid, which is acidic and polar, with histidine, which is basic and polar, at codon 250 of the MORC2 protein (p.Asp250His). This variant is not present in population databases (gnomAD no frequency). This variant has not been reported in the literature in individuals affected with MORC2-related conditions. Invitae Evidence Modeling of protein sequence and biophysical properties (such as structural, functional, and spatial information, amino acid conservation, physicochemical variation, residue mobility, and thermodynamic stability) indicates that this missense variant is expected to disrupt MORC2 protein function with a positive predictive value of 95%. In summary, the available evidence is currently insufficient to determine the role of this variant in disease. Therefore, it has been classified as a Variant of Uncertain Significance.